The following is an entry in ClinVar:

NM_001854.4(COL11A1):c.781-70T>G

Gene: COL11A1 (collagen type XI alpha 1 chain; minus strand). Cytogenetic location: 1p21.1.
Variant type: single nucleotide variant.
Coding change: c.781-70T>G on transcript NM_001854.4 (MANE Select); 70 bases into the intron before coding-DNA position 781, T replaced by G.
Molecular consequence: intron variant.
Genome position (GRCh38, 1-based): chr1:103,026,402, A>C on the plus strand (T>G on the coding strand, the complement: COL11A1 is on the minus strand). VCF-style: chr1-103026402-A-C. GRCh37 (hg19) VCF-style: chr1-103491958-A-C.
Other names: c.781-789T>G (NM_001190709.2); c.781-450T>G (NM_080629.3); c.781-70T>G (NM_080630.4).
Identifiers: ClinVar variation 155897 (VCV000155897.1), dbSNP rs587782990, ClinGen allele CA211320.
Genomic context (GRCh38, chr1:103,026,402, plus strand): 5'-AAAGGAAAAAATATCAGGCAATTGTGTTAGTGGCAAAATACTATTCACAAAGTGAGAACC[A>C]TCTTAACTTTTACATAGTGTAAATGTTAAGAGATAAGAAATTAATGTTATTGATGAGTTA-3'

ClinVar aggregate classification (germline): Pathogenic (0 of 4 stars; one submission).

Conditions:
sporadic abdominal aortic aneurysm.

Submission:

TilsonLab, Columbia University
Classification: Pathogenic for sporadic abdominal aortic aneurysm. Last evaluated: 2006-11-01. Review status: no assertion criteria provided. Collection method: clinical testing. Allele origin: germline. Affected: yes. Observed: 14 variant alleles.
Comment: 19 individuals were assessed.

Abdominal Aortic Aneurysm Mutations

Literature cited by the submitters: PubMed 17182944.